The following is an entry in ClinVar:

ClinVar aggregate classification (germline): Uncertain significance. Review status: criteria provided, multiple submitters, no conflicts (2 of 4 stars). 2 submissions from 2 submitters: Uncertain significance (2). Last evaluated 2025-02-09.

Allele frequency attached by ClinVar (database versions not stated): gnomAD exomes below 0.00001; TOPMed below 0.00001; gnomAD 0.00001.
gnomAD v4.1: 7 of 1,614,052 alleles (0.00043%); highest among the groups gnomAD compares: Admixed American, 0.0017%; no homozygotes.

Submissions (2):

Ambry Genetics
Classification: Uncertain significance. Last evaluated: 2025-02-09. Review status: criteria provided, single submitter. Criteria: Ambry Variant Classification Scheme 2023. Collection method: clinical testing. Allele origin: germline.

Labcorp Genetics (formerly Invitae), Labcorp
Classification: Uncertain significance. Last evaluated: 2021-07-31. Review status: criteria provided, single submitter. Criteria: Invitae Variant Classification Sherloc (09022015). Collection method: clinical testing. Allele origin: germline.
Comment: In summary, the available evidence is currently insufficient to determine the role of this variant in disease. Therefore, it has been classified as a Variant of Uncertain Significance. Algorithms developed to predict the effect of missense changes on protein structure and function (SIFT, PolyPhen-2, Align-GVGD) all suggest that this variant is likely to be tolerated. This variant has not been reported in the literature in individuals affected with DHX38-related conditions. This variant is not present in population databases (ExAC no frequency). This sequence change replaces phenylalanine with leucine at codon 336 of the DHX38 protein (p.Phe336Leu). The phenylalanine residue is highly conserved and there is a small physicochemical difference between phenylalanine and leucine.

NM_014003.4(DHX38):c.1008C>G (p.Phe336Leu)

Gene: DHX38 (DEAH-box helicase 38; plus strand). Cytogenetic location: 16q22.2.
Variant type: single nucleotide variant.
Coding change: c.1008C>G on transcript NM_014003.4 (MANE Select); coding-DNA position 1008, C replaced by G.
Protein change: p.Phe336Leu; replaces phenylalanine 336 with leucine.
Molecular consequence: missense variant.
Genome position (GRCh38, 1-based): chr16:72,099,779, C>G. VCF-style: chr16-72099779-C-G. GRCh37 (hg19) VCF-style: chr16-72133678-C-G.
Other names: c.1008C>G (NM_014003.3); short protein forms F336L.
Identifiers: ClinVar variation 1469056 (VCV001469056.7), dbSNP rs1170401397, ClinGen allele CA396704237.